The following is an entry in ClinVar:

ClinVar aggregate classification (germline): Pathogenic (1 of 4 stars; one submission).

Conditions:
Carnitine palmitoyl transferase 1A deficiency. Also called: Carnitine palmitoyltransferase 1A deficiency; CPT deficiency, hepatic, type IA; Carnitine palmitoyltransferase type I deficiency; CPT I DEFICIENCY; CPT DEFICIENCY, HEPATIC, TYPE I. Identifiers: Orphanet 156, MedGen C1829703, MONDO:0009705, OMIM 255120.

Submission:

Myriad Genetics, Inc.
Classification: Pathogenic for Carnitine palmitoyl transferase 1A deficiency. Last evaluated: 2025-08-03. Review status: criteria provided, single submitter. Criteria: Myriad Autosomal Dominant, Autosomal Recessive and X-Linked Classification Criteria (2023). Collection method: clinical testing. Allele origin: unknown.
Comment: NM_001876.3(CPT1A):c.178delT(S60Pfs*10) is expected to be pathogenic in the context of carnitine palmitoyltransferase IA deficiency. This variant is predicted to lead to an abnormal or absent protein product due to the creation of a premature termination codon in CPT1A, a gene where loss-of-function variants are known to be pathogenic. Please note: this variant was assessed in the context of healthy population screening.

NM_001876.4(CPT1A):c.178del (p.Ser60fs)

Gene: CPT1A (carnitine palmitoyltransferase 1A; minus strand). Cytogenetic location: 11q13.3.
Variant type: Deletion.
Coding change: c.178del on transcript NM_001876.4 (MANE Select); coding-DNA position 178, one base deleted (T; older notation c.178delT).
Protein change: p.Ser60fs; shifts the reading frame from serine 60.
Molecular consequence: frameshift variant.
Genome position (GRCh38, 1-based): chr11:68,812,540, A deleted on the plus strand (T on the coding strand, the reverse complement: CPT1A is on the minus strand). VCF-style (leftmost placement, unchanged base first): chr11-68812539-GA-G. GRCh37 (hg19) VCF-style: chr11-68580007-GA-G.
Other names: c.178del, p.Ser60fs (NM_001031847.3, NM_001440358.1, NM_001440359.1 and 6 more transcripts); short protein forms S60fs.
Identifiers: ClinVar variation 5014814 (VCV005014814.1).